The following is an entry in ClinVar:

NM_006908.5(RAC1):c.516G>A (p.Ala172=)

Gene: RAC1 (Rac family small GTPase 1; plus strand). Cytogenetic location: 7p22.1.
Variant type: single nucleotide variant.
Coding change: c.516G>A on transcript NM_006908.5 (MANE Select); coding-DNA position 516, G replaced by A.
Protein change: p.Ala172=; no amino-acid change (alanine 172 retained).
Molecular consequence: synonymous variant.
Genome position (GRCh38, 1-based): chr7:6,402,383, G>A. VCF-style: chr7-6402383-G-A. GRCh37 (hg19) VCF-style: chr7-6442014-G-A.
Other names: c.573G>A, p.Ala191= (NM_018890.4); c.573G>A (NM_018890.3).
Identifiers: ClinVar variation 2499036 (VCV002499036.28), dbSNP rs140589960, ClinGen allele CA4153798.

ClinVar aggregate classification (germline): Likely benign. Review status: criteria provided, single submitter (1 of 4 stars). 2 submissions from 2 submitters: Likely benign (1). 1 of the submissions does not count toward it. Last evaluated 2024-01-01.

Conditions:
RAC1-related disorder. Also called: RAC1-related condition.

Allele frequency attached by ClinVar (database versions not stated): ExAC 0.00026; ESP Exome Variant Server 0.00031; TOPMed 0.00034; gnomAD 0.00038.
gnomAD v4.1: 1,024 of 1,611,596 alleles (0.064%); highest among the groups gnomAD compares: Non-Finnish European, 0.084%; 1 homozygote.

Submissions (2):

CeGaT Center for Human Genetics Tuebingen
Classification: Likely benign. Last evaluated: 2024-01-01. Review status: criteria provided, single submitter. Criteria: CeGaT Center For Human Genetics Tuebingen Variant Classification Criteria Version 2. Collection method: clinical testing. Allele origin: germline. Affected: yes. Observed: 2 variant alleles.
Comment: RAC1: BP4, BP7

PreventionGenetics, part of Exact Sciences
Classification: Likely benign for RAC1-related condition. Last evaluated: 2024-03-29. Review status: no assertion criteria provided. Collection method: clinical testing. Allele origin: germline. Not counted in ClinVar's aggregate classification.
Comment: This variant is classified as likely benign based on ACMG/AMP sequence variant interpretation guidelines (Richards et al. 2015 PMID: 25741868, with internal and published modifications).